The following is an entry in ClinVar:

NM_005235.3(ERBB4):c.2487+40G>A

Gene: ERBB4 (erb-b2 receptor tyrosine kinase 4; minus strand). Cytogenetic location: 2q34.
Variant type: single nucleotide variant.
Coding change: c.2487+40G>A on transcript NM_005235.3 (MANE Select); 40 bases into the intron after coding-DNA position 2487, G replaced by A.
Molecular consequence: intron variant.
Genome position (GRCh38, 1-based): chr2:211,561,863, C>T on the plus strand (G>A on the coding strand, the complement: ERBB4 is on the minus strand). VCF-style: chr2-211561863-C-T. GRCh37 (hg19) VCF-style: chr2-212426588-C-T.
Other names: c.2487+40G>A (NM_001042599.2); c.2457+40G>A (NM_001439006.1, NM_001439005.1).
Identifiers: ClinVar variation 1293218 (VCV001293218.3), dbSNP rs139728050, ClinGen allele CA2087735.

ClinVar aggregate classification (germline): Benign. Review status: criteria provided, multiple submitters, no conflicts (2 of 4 stars). 2 submissions from 2 submitters: Benign (2). Last evaluated 2021-05-15.

Allele frequency attached by ClinVar (database versions not stated): 1000 Genomes Project 0.01278; 1000 Genomes Project 30x 0.01374; TOPMed 0.02547; ESP Exome Variant Server 0.02883; gnomAD 0.03586 and 0.03703; gnomAD exomes 0.03699; ExAC 0.03765.
gnomAD v4.1: 60,839 of 1,552,622 alleles (3.9%); highest among the groups gnomAD compares: Non-Finnish European, 4.2%; 1,598 homozygotes.

Submissions (2):

GeneDx
Classification: Benign. Last evaluated: 2021-05-15. Review status: criteria provided, single submitter. Criteria: GeneDx Variant Classification Process June 2021. Collection method: clinical testing. Allele origin: germline. Affected: yes.
Comment: This variant is associated with the following publications: (PMID: 21637803)

Breakthrough Genomics
Classification: Benign. Review status: criteria provided, single submitter. Criteria: ACMG Guidelines, 2015. Collection method: not provided. Allele origin: germline. Inheritance: Autosomal dominant inheritance. Affected: yes.